The following is an entry in ClinVar:

NM_001466.4(FZD2):c.41TGC[5] (p.Leu17_Pro18insLeu)

Gene: FZD2 (frizzled class receptor 2; plus strand). Cytogenetic location: 17q21.31.
Variant type: Microsatellite.
Coding change: c.41TGC[5] on transcript NM_001466.4 (MANE Select); five copies in a row of the 3-base unit TGC starting at c.41; the reference has four copies in a row; one copy, 3 bases duplicated.
Protein change: p.Leu17_Pro18insLeu.
Molecular consequence: inframe insertion.
Genome position (GRCh38, 1-based): chr17:44,557,738-44,557,740, TGC duplicated; duplicating any 3 consecutive bases within chr17:44,557,727-44,557,740 gives the same sequence; the position shown is the placement nearest the transcript's 3' end. VCF-style (leftmost placement, unchanged base first): chr17-44557726-C-CGCT. GRCh37 (hg19) VCF-style: chr17-42635094-C-CGCT.
Identifiers: ClinVar variation 2963282 (VCV002963282.3), dbSNP rs761743182, ClinGen allele CA8604601.

ClinVar aggregate classification (germline): Uncertain significance (1 of 4 stars; one submission).

Submission:

Labcorp Genetics (formerly Invitae), Labcorp
Classification: Uncertain significance. Last evaluated: 2023-09-27. Review status: criteria provided, single submitter. Criteria: Invitae Variant Classification Sherloc (09022015). Collection method: clinical testing. Allele origin: germline.
Comment: This variant, c.50_52dup, results in the insertion of 1 amino acid(s) of the FZD2 protein (p.Leu17dup), but otherwise preserves the integrity of the reading frame. This variant is present in population databases (rs761743182, gnomAD 0.008%). This variant has not been reported in the literature in individuals affected with FZD2-related conditions. In summary, the available evidence is currently insufficient to determine the role of this variant in disease. Therefore, it has been classified as a Variant of Uncertain Significance.